The following is an entry in ClinVar:

ClinVar aggregate classification (germline): Pathogenic. Review status: criteria provided, multiple submitters, no conflicts (2 of 4 stars). 3 submissions from 3 submitters: Pathogenic (3). Last evaluated 2024-05-13.

Conditions:
Ataxia-telangiectasia syndrome (AT). Also called: Ataxia-telangiectasia, complementation group D; AT, COMPLEMENTATION GROUP C; ATAXIA-TELANGIECTASIA, COMPLEMENTATION GROUP A; ATAXIA-TELANGIECTASIA, FRESNO VARIANT; Ataxia-telangiectasia; LOUIS-BAR SYNDROME. Identifiers: Orphanet 100, MedGen C0004135, MONDO:0008840, OMIM 208900.
Familial cancer of breast. Also called: Hereditary breast cancer; BREAST CANCER, FAMILIAL; hereditary breast carcinoma. Identifiers: Orphanet 227535, MedGen C0346153, MONDO:0016419, OMIM 114480. Disease mechanism: loss of function.

Allele frequency attached by ClinVar (database versions not stated): gnomAD exomes below 0.00001.

Submissions (3):

Myriad Genetics, Inc.
Classification: Pathogenic for Familial cancer of breast. Last evaluated: 2024-05-13. Review status: criteria provided, single submitter. Criteria: Myriad Autosomal Dominant, Autosomal Recessive and X-Linked Classification Criteria (2023). Collection method: clinical testing. Allele origin: unknown.
Comment: This variant is considered pathogenic. This variant creates a termination codon and is predicted to result in premature protein truncation.

Baylor Genetics
Classification: Pathogenic for Familial cancer of breast. Last evaluated: 2023-03-24. Review status: criteria provided, single submitter. Criteria: ACMG Guidelines, 2015. Collection method: clinical testing. Allele origin: unknown.

Labcorp Genetics (formerly Invitae), Labcorp
Classification: Pathogenic for Ataxia-telangiectasia syndrome. Last evaluated: 2018-12-24. Review status: criteria provided, single submitter. Criteria: Invitae Variant Classification Sherloc (09022015). Collection method: clinical testing. Allele origin: germline.
Comment: This variant is not present in population databases (ExAC no frequency). This variant has been observed in an individual affected with ataxia-telangiectasia (PMID: 10425038). Loss-of-function variants in ATM are known to be pathogenic (PMID: 23807571, 25614872). For these reasons, this variant has been classified as Pathogenic. This sequence change creates a premature translational stop signal (p.Phe2387*) in the ATM gene. It is expected to result in an absent or disrupted protein product.

Literature cited by the submitters: PubMed 10425038 (cited by Labcorp Genetics (formerly Invitae), Labcorp); PubMed 23807571 (cited by Labcorp Genetics (formerly Invitae), Labcorp); PubMed 25614872 (cited by Labcorp Genetics (formerly Invitae), Labcorp).

NM_000051.4(ATM):c.7159_7160insAGCC (p.Phe2387Ter)

Genes: C11orf65 (chromosome 11 open reading frame 65; minus strand), ATM (ATM serine/threonine kinase; plus strand). Cytogenetic location: 11q22.3.
Variant type: Insertion.
Coding change: c.7159_7160insAGCC on transcript NM_000051.4 (MANE Select); coding-DNA positions 7159 to 7160, AGCC inserted.
Protein change: p.Phe2387Ter; replaces phenylalanine 2387 with a stop codon.
Molecular consequence: nonsense. On other transcripts: intron variant (2).
Genome position: GRCh38 VCF-style: chr11-108329090-T-TAGCC. GRCh37 (hg19) VCF-style: chr11-108199817-T-TAGCC.
Other names: c.7159_7160insAGCC, p.Phe2387Ter (NM_001351834.2); c.641-20020_641-20019insGGCT (NM_001330368.2); c.*38+6129_*38+6130insGGCT (NM_001351110.2); short protein forms F2387*.
Identifiers: ClinVar variation 641019 (VCV000641019.11), dbSNP rs1591150887, ClinGen allele CA915948276.